The following is an entry in ClinVar:

ClinVar aggregate classification (germline): Pathogenic/Likely pathogenic. Review status: criteria provided, multiple submitters, no conflicts (2 of 4 stars). 2 submissions from 2 submitters: Pathogenic (1); Likely pathogenic (1). Last evaluated 2024-06-18.

Conditions:
Chronic granulomatous disease. Identifiers: Orphanet 379, MedGen C0018203, MONDO:0018305.
Granulomatous disease, chronic, autosomal recessive, cytochrome b-negative. Also called: GRANULOMATOUS DISEASE, CHRONIC, AUTOSOMAL RECESSIVE, 4; Chronic granulomatous disease, autosomal, due to deficiency of CYBA; CGD DUE TO DEFICIENCY OF THE ALPHA SUBUNIT OF CYTOCHROME b; CGD, AUTOSOMAL RECESSIVE CYTOCHROME b-NEGATIVE; CYBA DEFICIENCY. Identifiers: Orphanet 379, MedGen C1856255, MONDO:0009308, OMIM 233690.

Allele frequency attached by ClinVar (database versions not stated): gnomAD 0.00001; TOPMed 0.00001.
gnomAD v4.1: 1 of 1,612,918 alleles (0.000062%); highest among the groups gnomAD compares: Admixed American, 0.0017%; no homozygotes.

Submissions (2):

Natera, Inc.
Classification: Likely pathogenic for Chronic granulomatous disease. Last evaluated: 2024-06-18. Review status: criteria provided, single submitter. Criteria: Natera Variant Classification Schema (03/2026). Collection method: clinical testing. Allele origin: germline.
Comment: The c.108G>A variant in CYBA is a nonsense variant predicted to introduce a stop codon at amino acid 36. This variant is expected to result in nonsense mediated decay, truncation, or a dysfunctional protein product. This variant is rare in the general population with a frequency below the threshold expected for the associated phenotype(s). Given the available evidence, this variant is classified as Likely Pathogenic.

Labcorp Genetics (formerly Invitae), Labcorp
Classification: Pathogenic for Granulomatous disease, chronic, autosomal recessive, cytochrome b-negative. Last evaluated: 2022-09-04. Review status: criteria provided, single submitter. Criteria: Invitae Variant Classification Sherloc (09022015). Collection method: clinical testing. Allele origin: germline.
Comment: For these reasons, this variant has been classified as Pathogenic. Algorithms developed to predict the effect of sequence changes on RNA splicing suggest that this variant may disrupt the consensus splice site. This premature translational stop signal has been observed in individual(s) with chronic granulomatous disease (PMID: 10910929). This variant is not present in population databases (gnomAD no frequency). This sequence change creates a premature translational stop signal (p.Trp36*) in the CYBA gene. It is expected to result in an absent or disrupted protein product. Loss-of-function variants in CYBA are known to be pathogenic (PMID: 10910929, 20167518, 22876374).

Literature cited by the submitters: PubMed 10910929 (cited by Labcorp Genetics (formerly Invitae), Labcorp); PubMed 20167518 (cited by Labcorp Genetics (formerly Invitae), Labcorp); PubMed 22876374 (cited by Labcorp Genetics (formerly Invitae), Labcorp).

NM_000101.4(CYBA):c.108G>A (p.Trp36Ter)

Gene: CYBA (cytochrome b-245 alpha chain; minus strand). Cytogenetic location: 16q24.2.
Variant type: single nucleotide variant.
Coding change: c.108G>A on transcript NM_000101.4 (MANE Select); coding-DNA position 108, G replaced by A.
Protein change: p.Trp36Ter; replaces tryptophan 36 with a stop codon.
Molecular consequence: nonsense.
Genome position (GRCh38, 1-based): chr16:88,648,065, C>T on the plus strand (G>A on the coding strand, the complement: CYBA is on the minus strand). VCF-style: chr16-88648065-C-T. GRCh37 (hg19) VCF-style: chr16-88714473-C-T.
Other names: c.108G>A (NM_000101.3); short protein forms W36*.
Identifiers: ClinVar variation 2028965 (VCV002028965.5), dbSNP rs983116270, ClinGen allele CA286354613.
Genomic context (GRCh38, chr16:88,648,065, plus strand): 5'-GGGCGTTCCCCGCCCACCCCAGCCTCAGGTGGAAGGATACATGGAGTAGGCACCAAAGTA[C>T]CACTGGGTGAAGCGCCCAGCTGTGGCCACGATGCCCCCGGTGATGAGGACTGCGGGGAGA-3'